The following is an entry in ClinVar:

ClinVar aggregate classification (germline): Benign. Review status: criteria provided, multiple submitters, no conflicts (2 of 4 stars). 4 submissions from 4 submitters: Benign (4). Last evaluated 2026-02-03.

Allele frequency attached by ClinVar (database versions not stated): 1000 Genomes Project 30x 0.12477; TOPMed 0.12571; ESP Exome Variant Server 0.12640; 1000 Genomes Project 0.12780; gnomAD 0.12929 and 0.13246; ExAC 0.16463; gnomAD exomes 0.16641 and 0.17152.
gnomAD v4.1: 269,545 of 1,610,662 alleles (17%); highest among the groups gnomAD compares: East Asian, 20%; 23,553 homozygotes.

Submissions (4):

Labcorp Genetics (formerly Invitae), Labcorp
Classification: Benign. Last evaluated: 2026-02-03. Review status: criteria provided, single submitter. Criteria: Invitae Variant Classification Sherloc (09022015). Collection method: clinical testing. Allele origin: germline.

Women's Health and Genetics/Laboratory Corporation of America, LabCorp
Classification: Benign. Last evaluated: 2026-01-21. Review status: criteria provided, single submitter. Criteria: LabCorp Variant Classification Summary - May 2015. Collection method: clinical testing. Allele origin: germline.

Unidad de Genómica Garrahan, Hospital de Pediatría Garrahan
Classification: Benign. Last evaluated: 2024-01-24. Review status: criteria provided, single submitter. Criteria: ACMG Guidelines, 2015. Collection method: clinical testing. Allele origin: germline. Affected: no. Observed: 22 variant alleles.
Comment: This variant is classified as Benign based on local population frequency. This variant was detected in 23% of patients studied by a panel of primary immunodeficiencies. Number of patients: 22. Only high quality variants are reported.

Breakthrough Genomics
Classification: Benign. Review status: criteria provided, single submitter. Criteria: ACMG Guidelines, 2015. Collection method: not provided. Allele origin: germline. Inheritance: Autosomal dominant inheritance. Affected: yes.

NM_001330700.2(TOP2B):c.2346+17G>A

Gene: TOP2B (DNA topoisomerase II beta; minus strand). Cytogenetic location: 3p24.2.
Variant type: single nucleotide variant.
Coding change: c.2346+17G>A on transcript NM_001330700.2 (MANE Select); 17 bases into the intron after coding-DNA position 2346, G replaced by A.
Molecular consequence: intron variant.
Genome position (GRCh38, 1-based): chr3:25,624,665, C>T on the plus strand (G>A on the coding strand, the complement: TOP2B is on the minus strand). VCF-style: chr3-25624665-C-T. GRCh37 (hg19) VCF-style: chr3-25666156-C-T.
Other names: c.2331+17G>A (NM_001068.3).
Identifiers: ClinVar variation 1168438 (VCV001168438.11), dbSNP rs2293787, ClinGen allele CA2288519.
Genomic context (GRCh38, chr3:25,624,665, plus strand): 5'-GGAAAAATACTATGTGTAATTATCATTCTTCAAGACAATAATTACAGTTCTCAATTGATT[C>T]CAATCTTAATGCTTACTTCTCCATGATGATAAGCCGACATCTCAGCAACAGAGCCAGCCA-3'